The following is an entry in ClinVar:

NM_004281.4(BAG3):c.1262G>A (p.Gly421Glu)

Gene: BAG3 (BAG cochaperone 3; plus strand). Cytogenetic location: 10q26.11.
Variant type: single nucleotide variant.
Coding change: c.1262G>A on transcript NM_004281.4 (MANE Select); coding-DNA position 1262, G replaced by A.
Protein change: p.Gly421Glu; replaces glycine 421 with glutamic acid.
Molecular consequence: missense variant.
Genome position (GRCh38, 1-based): chr10:119,676,816, G>A. VCF-style: chr10-119676816-G-A. GRCh37 (hg19) VCF-style: chr10-121436328-G-A.
Other names: short protein forms G421E.
Identifiers: ClinVar variation 264058 (VCV000264058.14), dbSNP rs886039025, ClinGen allele CA10587695.

ClinVar aggregate classification (germline): Uncertain significance. Review status: criteria provided, multiple submitters, no conflicts (2 of 4 stars). 2 submissions from 2 submitters: Uncertain significance (2). Last evaluated 2025-05-27.

Conditions:
Myofibrillar myopathy 6. Identifiers: Orphanet 199340, MedGen C2751831, MONDO:0013061, OMIM 612954.
Dilated cardiomyopathy 1HH (CMD1HH). Identifiers: Orphanet 154, MedGen C3151293, MONDO:0013479, OMIM 613881.
Cardiovascular phenotype. Identifiers: MedGen CN230736.

Allele frequency attached by ClinVar (database versions not stated): gnomAD exomes below 0.00001.
gnomAD v4.1: 5 of 1,614,146 alleles (0.00031%); highest among the groups gnomAD compares: East Asian, 0.0045%; no homozygotes.

Submissions (2):

Labcorp Genetics (formerly Invitae), Labcorp
Classification: Uncertain significance for Dilated cardiomyopathy 1HH; Myofibrillar myopathy 6. Last evaluated: 2025-05-27. Review status: criteria provided, single submitter. Criteria: Invitae Variant Classification Sherloc (09022015). Collection method: clinical testing. Allele origin: germline.
Comment: This sequence change replaces glycine, which is neutral and non-polar, with glutamic acid, which is acidic and polar, at codon 421 of the BAG3 protein (p.Gly421Glu). This variant is not present in population databases (gnomAD no frequency). This variant has not been reported in the literature in individuals affected with BAG3-related conditions. ClinVar contains an entry for this variant (Variation ID: 264058). Invitae Evidence Modeling of protein sequence and biophysical properties (such as structural, functional, and spatial information, amino acid conservation, physicochemical variation, residue mobility, and thermodynamic stability) has been performed for this missense variant. However, the output from this modeling did not meet the statistical confidence thresholds required to predict the impact of this variant on BAG3 protein function. In summary, the available evidence is currently insufficient to determine the role of this variant in disease. Therefore, it has been classified as a Variant of Uncertain Significance.

Ambry Genetics
Classification: Uncertain significance for Cardiovascular phenotype. Last evaluated: 2015-05-20. Review status: criteria provided, single submitter. Criteria: Ambry Variant Classification Scheme 2023. Collection method: clinical testing. Allele origin: germline.
Comment: The p.G421E variant (also known as c.1262G>A), located in coding exon 4 of the BAG3 gene, results from a G to A substitution at nucleotide position 1262. The glycine at codon 421 is replaced by glutamic acid, an amino acid with a few similar properties. This variant was not reported in population based cohorts in the following databases: Database of Single Nucleotide Polymorphisms (dbSNP), NHLBI Exome Sequencing Project (ESP), and 1000 Genomes Project. In the ESP, this variant was not observed in 6503 samples (13006 alleles) with coverage at this position. This amino acid position is highly conserved in available vertebrate species. In addition, this alteration is predicted to be deleterious by in silico analysis. Since supporting evidence is limited at this time, the clinical significance of this variant remains unclear.